The following is an entry in ClinVar:

ClinVar aggregate classification (germline): Uncertain significance. Review status: criteria provided, multiple submitters, no conflicts (2 of 4 stars). 2 submissions from 2 submitters: Uncertain significance (2). Last evaluated 2025-10-01.

Conditions:
Inborn genetic diseases. Identifiers: MedGen C0950123, MeSH D030342.

Allele frequency attached by ClinVar (database versions not stated): gnomAD 0.00001; TOPMed 0.00001; gnomAD exomes 0.00005 and 0.00009.
gnomAD v4.1: 134 of 1,564,422 alleles (0.0086%); highest among the groups gnomAD compares: Non-Finnish European, 0.011%; no homozygotes.

Submissions (2):

Ambry Genetics
Classification: Uncertain significance for Inborn genetic diseases. Last evaluated: 2025-10-01. Review status: criteria provided, single submitter. Criteria: Ambry Variant Classification Scheme 2023. Collection method: clinical testing. Allele origin: germline.

Labcorp Genetics (formerly Invitae), Labcorp
Classification: Uncertain significance. Last evaluated: 2024-12-09. Review status: criteria provided, single submitter. Criteria: Invitae Variant Classification Sherloc (09022015). Collection method: clinical testing. Allele origin: germline.
Comment: This sequence change replaces threonine, which is neutral and polar, with methionine, which is neutral and non-polar, at codon 805 of the CLCN7 protein (p.Thr805Met). This variant is present in population databases (no rsID available, gnomAD 0.01%). This variant has not been reported in the literature in individuals affected with CLCN7-related conditions. ClinVar contains an entry for this variant (Variation ID: 1499136). An algorithm developed to predict the effect of missense changes on protein structure and function (PolyPhen-2) suggests that this variant is likely to be disruptive. In summary, the available evidence is currently insufficient to determine the role of this variant in disease. Therefore, it has been classified as a Variant of Uncertain Significance.

NM_001287.6(CLCN7):c.2414C>T (p.Thr805Met)

Gene: CLCN7 (chloride voltage-gated channel 7; minus strand). Cytogenetic location: 16p13.3.
Variant type: single nucleotide variant.
Coding change: c.2414C>T on transcript NM_001287.6 (MANE Select); coding-DNA position 2414, C replaced by T.
Protein change: p.Thr805Met; replaces threonine 805 with methionine.
Molecular consequence: missense variant.
Genome position (GRCh38, 1-based): chr16:1,446,635, G>A on the plus strand (C>T on the coding strand, the complement: CLCN7 is on the minus strand). VCF-style: chr16-1446635-G-A. GRCh37 (hg19) VCF-style: chr16-1496636-G-A.
Other names: c.2342C>T, p.Thr781Met (NM_001114331.3); c.2414C>T (NM_001287.4); short protein forms T781M, T805M.
Identifiers: ClinVar variation 1499136 (VCV001499136.10), dbSNP rs992765173, ClinGen allele CA276667339.